The following is an entry in ClinVar:

ClinVar aggregate classification (germline): Conflicting classifications of pathogenicity. Review status: criteria provided, conflicting classifications (1 of 4 stars). 2 submissions from 2 submitters: Uncertain significance (1); Likely benign (1). Last evaluated 2023-03-23.

Conditions:
Hereditary cancer-predisposing syndrome. Also called: Neoplastic Syndromes, Hereditary; Hereditary Cancer Syndrome; Hereditary neoplastic syndrome; Tumor predisposition. Identifiers: Orphanet 140162, MedGen C0027672, MeSH D009386, MONDO:0015356.
Hereditary breast ovarian cancer syndrome. Also called: Hereditary breast and ovarian cancer syndrome (HBOC); Hereditary breast and ovarian cancer syndrome; Breast and ovarian cancer; Hereditary breast and/or ovarian cancer syndrome; Hereditary breast and ovarian cancer; BRCA1- and BRCA2-Associated Hereditary Breast and Ovarian Cancer. Identifiers: Orphanet 145, MedGen C0677776, MeSH D061325, MONDO:0003582. Disease mechanism: loss of function.

Submissions (2):

University of Washington Department of Laboratory Medicine, University of Washington
Classification: Likely benign for Hereditary cancer-predisposing syndrome. Last evaluated: 2023-03-23. Review status: criteria provided, single submitter. Criteria: Dines et al. (Genet Med. 2020). Collection method: curation. Allele origin: germline.
Comment: Missense variant in a coldspot region where missense variants are very unlikely to be pathogenic (PMID:31911673).

BRCA2 exon 11 coldspot. Reclassification based on statistical prior probability.

Labcorp Genetics (formerly Invitae), Labcorp
Classification: Uncertain significance for Hereditary breast ovarian cancer syndrome. Last evaluated: 2017-04-23. Review status: criteria provided, single submitter. Criteria: Invitae Variant Classification Sherloc (09022015). Collection method: clinical testing. Allele origin: germline.
Comment: In summary, this variant is a novel missense change with uncertain impact on protein function. It has been classified as a Variant of Uncertain Significance. Algorithms developed to predict the effect of missense changes on protein structure and function do not agree on the potential impact of this missense change (SIFT: "Tolerated"; PolyPhen-2: "Possibly Damaging"; Align-GVGD: "Class C0"). This variant is not present in population databases (ExAC no frequency) and has not been reported in the literature in individuals with a BRCA2-related disease. This sequence change replaces lysine with glutamine at codon 1374 of the BRCA2 protein (p.Lys1374Gln). The lysine residue is weakly conserved and there is a small physicochemical difference between lysine and glutamine.

NM_000059.4(BRCA2):c.4120A>C (p.Lys1374Gln)

Gene: BRCA2 (BRCA2 DNA repair associated; plus strand). Cytogenetic location: 13q13.1.
Variant type: single nucleotide variant.
Coding change: c.4120A>C on transcript NM_000059.4 (MANE Select); coding-DNA position 4120, A replaced by C.
Protein change: p.Lys1374Gln; replaces lysine 1374 with glutamine.
Molecular consequence: missense variant.
Genome position (GRCh38, 1-based): chr13:32,338,475, A>C. VCF-style: chr13-32338475-A-C. GRCh37 (hg19) VCF-style: chr13-32912612-A-C.
Other names: short protein forms K1374Q.
Identifiers: ClinVar variation 462324 (VCV000462324.10), dbSNP rs864622126, ClinGen allele CA387779329.